The following is an entry in ClinVar:

ClinVar aggregate classification (germline): Likely pathogenic (1 of 4 stars; one submission).

Conditions:
Severe X-linked myotubular myopathy (CNMX). Also called: X-linked centronuclear myopathy; Myotubular myopathy, X-linked; MYOTUBULAR MYOPATHY 1. Identifiers: Orphanet 596, MedGen C0410203, MONDO:0010683, OMIM 310400.

Submission:

3billion
Classification: Likely pathogenic for Severe X-linked myotubular myopathy. Last evaluated: 2025-07-21. Review status: criteria provided, single submitter. Criteria: ACMG Guidelines, 2015. Collection method: clinical testing. Allele origin: germline. Affected: yes.
Comment: The variant is not observed in the gnomAD v4.1.0 dataset. Predicted Consequence/Location: Stop-gained (nonsense): predicted to result in a loss or disruption of normal protein function through nonsense-mediated decay (NMD) or protein truncation. Multiple pathogenic variants are reported downstream of the variant. Therefore, this variant is classified as Likely pathogenic according to the recommendation of ACMG/AMP guideline.

NM_000252.3(MTM1):c.1233G>A (p.Trp411Ter)

Gene: MTM1 (myotubularin 1; plus strand). Cytogenetic location: Xq28.
Variant type: single nucleotide variant.
Coding change: c.1233G>A on transcript NM_000252.3 (MANE Select); coding-DNA position 1233, G replaced by A.
Protein change: p.Trp411Ter; replaces tryptophan 411 with a stop codon.
Molecular consequence: nonsense.
Genome position (GRCh38, 1-based): chrX:150,658,000, G>A. VCF-style: chrX-150658000-G-A. GRCh37 (hg19) VCF-style: chrX-149826473-G-A.
Other names: c.1233G>A, p.Trp411Ter (NM_001376906.1, NM_001376908.1); c.1122G>A, p.Trp374Ter (NM_001376907.1); short protein forms W374*, W411*.
Identifiers: ClinVar variation 4855413 (VCV004855413.1).